The following is an entry in ClinVar:

ClinVar aggregate classification (germline): Benign. Review status: criteria provided, multiple submitters, no conflicts (2 of 4 stars). 6 submissions from 6 submitters: Benign (4). 2 of the submissions do not count toward it. Last evaluated 2026-02-04.

Conditions:
Saldino-Mainzer syndrome (SRTD9). Also called: CONORENAL SYNDROME; SHORT-RIB THORACIC DYSPLASIA 9 WITHOUT POLYDACTYLY; short-rib thoracic dysplasia 9 with or without polydactyly; Renal dysplasia, retinal pigmentary dystrophy, cerebellar ataxia and skeletal dysplasia. Identifiers: Orphanet 140969, MedGen C1849437, MONDO:0009964, OMIM 266920.
Retinal dystrophy. Also called: Inherited retinal dystrophy. Identifiers: Orphanet 71862, MedGen C0854723, MeSH D058499, MONDO:0019118, HP:0000556.

Allele frequency attached by ClinVar (database versions not stated): ESP Exome Variant Server 0.00015; TOPMed 0.00187; gnomAD 0.00236; 1000 Genomes Project 30x 0.00562; 1000 Genomes Project 0.00679.
gnomAD v4.1: 1,800 of 1,604,306 alleles (0.11%); highest among the groups gnomAD compares: East Asian, 3.8%; 42 homozygotes.

Submissions (17):

Labcorp Genetics (formerly Invitae), Labcorp
Classification: Benign for Saldino-Mainzer syndrome. Last evaluated: 2026-02-04. Review status: criteria provided, single submitter. Criteria: Invitae Variant Classification Sherloc (09022015). Collection method: clinical testing. Allele origin: germline.

Dept Of Ophthalmology, Nagoya University
Classification: Benign for Retinal dystrophy. Last evaluated: 2023-10-01. Review status: criteria provided, single submitter. Criteria: Submitter's publication. Collection method: research. Allele origin: germline. Affected: yes.

Illumina Laboratory Services, Illumina
Classification: Benign for Saldino-Mainzer syndrome. Last evaluated: 2018-01-12. Review status: criteria provided, single submitter. Criteria: ICSL Variant Classification Criteria 13 December 2019. Collection method: clinical testing. Allele origin: germline.
Comment: This variant was observed in the ICSL laboratory as part of a predisposition screen in an ostensibly healthy population. It had not been previously curated by ICSL or reported in the Human Gene Mutation Database (HGMD: prior to June 1st, 2018), and was therefore a candidate for classification through an automated scoring system. Utilizing variant allele frequency, disease prevalence and penetrance estimates, and inheritance mode, an automated score was calculated to assess if this variant is too frequent to cause the disease. Based on the score and internal cut-off values, a variant classified as benign is not then subjected to further curation. The score for this variant resulted in a classification of benign for this disease.

Genome Diagnostics Laboratory, University Medical Center Utrecht
Classification: Benign for Saldino-Mainzer syndrome. Last evaluated: 2016-03-29. Review status: criteria provided, single submitter. Criteria: ACGS Guidelines, 2013. Collection method: clinical testing. Allele origin: germline. Affected: yes. Study: VKGL Data-share Consensus.

Clinical Genetics DNA and cytogenetics Diagnostics Lab, Erasmus MC, Erasmus Medical Center
Classification: Benign. Review status: no assertion criteria provided. Collection method: clinical testing. Allele origin: germline. Affected: yes. Study: VKGL Data-share Consensus. Not counted in ClinVar's aggregate classification.

Clinical Genetics, Academic Medical Center
Classification: Benign. Review status: no assertion criteria provided. Collection method: clinical testing. Allele origin: germline. Affected: yes. Study: VKGL Data-share Consensus. Not counted in ClinVar's aggregate classification.

Dr. Peter K. Rogan Lab, Western University
No classification provided (evidence only). Condition: Hepatocellular carcinoma. Review status: no classification provided. Collection method: in vitro. Allele origin: not applicable. Functional consequence: retained intron. Not counted in ClinVar's aggregate classification.

Dr. Peter K. Rogan Lab, Western University
No classification provided (evidence only). Condition: Thymoma. Review status: no classification provided. Collection method: in vitro. Allele origin: not applicable. Functional consequence: retained intron. Not counted in ClinVar's aggregate classification.

Dr. Peter K. Rogan Lab, Western University
No classification provided (evidence only). Condition: Ovarian serous cystadenocarcinoma. Review status: no classification provided. Collection method: in vitro. Allele origin: not applicable. Functional consequence: retained intron. Not counted in ClinVar's aggregate classification.

Dr. Peter K. Rogan Lab, Western University
No classification provided (evidence only). Condition: Gastric cancer. Review status: no classification provided. Collection method: in vitro. Allele origin: not applicable. Functional consequence: retained intron. Not counted in ClinVar's aggregate classification.

Dr. Peter K. Rogan Lab, Western University
No classification provided (evidence only). Condition: Gastric cancer. Review status: no classification provided. Collection method: in vitro. Allele origin: not applicable. Functional consequence: retained intron. Not counted in ClinVar's aggregate classification.

Dr. Peter K. Rogan Lab, Western University
No classification provided (evidence only). Condition: Gastric cancer. Review status: no classification provided. Collection method: in vitro. Allele origin: not applicable. Functional consequence: retained intron. Not counted in ClinVar's aggregate classification.

Dr. Peter K. Rogan Lab, Western University
No classification provided (evidence only). Condition: Gastric cancer. Review status: no classification provided. Collection method: in vitro. Allele origin: not applicable. Functional consequence: retained intron. Not counted in ClinVar's aggregate classification.

Dr. Peter K. Rogan Lab, Western University
No classification provided (evidence only). Condition: Malignant tumor of esophagus. Review status: no classification provided. Collection method: in vitro. Allele origin: not applicable. Functional consequence: retained intron. Not counted in ClinVar's aggregate classification.

Dr. Peter K. Rogan Lab, Western University
No classification provided (evidence only). Condition: Malignant tumor of esophagus. Review status: no classification provided. Collection method: in vitro. Allele origin: not applicable. Functional consequence: retained intron. Not counted in ClinVar's aggregate classification.

Dr. Peter K. Rogan Lab, Western University
No classification provided (evidence only). Condition: Malignant tumor of esophagus. Review status: no classification provided. Collection method: in vitro. Allele origin: not applicable. Functional consequence: retained intron. Not counted in ClinVar's aggregate classification.

Dr. Peter K. Rogan Lab, Western University
No classification provided (evidence only). Condition: Malignant tumor of esophagus. Review status: no classification provided. Collection method: in vitro. Allele origin: not applicable. Functional consequence: retained intron. Not counted in ClinVar's aggregate classification.

NM_014714.4(IFT140):c.3079G>A (p.Gly1027Arg)

Genes: IFT140 (intraflagellar transport 140; minus strand), LOC126862260 (CDK7 strongly-dependent group 2 enhancer GRCh37_chr16:1574508-1575707; plus strand). Cytogenetic location: 16p13.3.
Variant type: single nucleotide variant.
Coding change: c.3079G>A on transcript NM_014714.4 (MANE Select); coding-DNA position 3079, G replaced by A.
Protein change: p.Gly1027Arg; replaces glycine 1027 with arginine.
Molecular consequence: missense variant.
Genome position (GRCh38, 1-based): chr16:1,524,614, C>T on the plus strand (G>A on the coding strand, the complement: IFT140 is on the minus strand). VCF-style: chr16-1524614-C-T. GRCh37 (hg19) VCF-style: chr16-1574615-C-T.
Other names: short protein forms G1027R.
Identifiers: ClinVar variation 318039 (VCV000318039.21), dbSNP rs137995818, ClinGen allele CA7813325.